The following is an entry in ClinVar:

ClinVar aggregate classification (germline): Uncertain significance. Review status: criteria provided, multiple submitters, no conflicts (2 of 4 stars). 2 submissions from 2 submitters: Uncertain significance (2). Last evaluated 2021-11-09.

Conditions:
Inborn genetic diseases. Identifiers: MedGen C0950123, MeSH D030342.
Intellectual developmental disorder, autosomal dominant 64. Also called: MENTAL RETARDATION, AUTOSOMAL DOMINANT 64. Identifiers: MedGen C5543067, MONDO:0030934, OMIM 619188.

Allele frequency attached by ClinVar (database versions not stated): gnomAD exomes 0.00001 and 0.00002; TOPMed 0.00001; ExAC 0.00002.

Submissions (2):

Ambry Genetics
Classification: Uncertain significance for Inborn genetic diseases. Last evaluated: 2021-11-09. Review status: criteria provided, single submitter. Criteria: Ambry Variant Classification Scheme 2023. Collection method: clinical testing. Allele origin: germline.

New York Genome Center
Classification: Uncertain significance for Intellectual developmental disorder, autosomal dominant 64. Last evaluated: 2021-05-14. Review status: criteria provided, single submitter. Criteria: NYGC Assertion Criteria 2020. Collection method: clinical testing. Allele origin: inherited. Observed: 1 heterozygote. Study: CSER-NYCKidSeq.
Comment: The inherited heterozygous c.1190A>G (p.Glu397Gly) variant identified in the ZNF292 gene has not been reported in affected individualsin the literature. Although the variant is absent from gnomAD(v3) database there are 4 heterozygous alleles in the gnomAD(v2) database suggesting it is not a common benign variant in the populations represented in those databases. The variant affects an evolutionarily conserved residue and is predicted deleterious bymultiple in silico prediction tools (CADD score = 27.4, REVEL score = 0.503). Based on the available evidence, the inherited heterozygous c.1190A>G (p.Glu397Gly) variant identified in the ZNF292 gene is reported as a variant of uncertain significance.

NM_015021.3(ZNF292):c.1190A>G (p.Glu397Gly)

Gene: ZNF292 (zinc finger protein 292; plus strand). Cytogenetic location: 6q14.3.
Variant type: single nucleotide variant.
Coding change: c.1190A>G on transcript NM_015021.3 (MANE Select); coding-DNA position 1190, A replaced by G.
Protein change: p.Glu397Gly; replaces glutamic acid 397 with glycine.
Molecular consequence: missense variant.
Genome position (GRCh38, 1-based): chr6:87,254,819, A>G. VCF-style: chr6-87254819-A-G. GRCh37 (hg19) VCF-style: chr6-87964537-A-G.
Other names: c.770A>G, p.Glu257Gly (NM_001351444.2); c.1190A>G (NM_015021.1); short protein forms E257G, E397G.
Identifiers: ClinVar variation 1342339 (VCV001342339.4), dbSNP rs760272408, ClinGen allele CA3913816.